The following is an entry in ClinVar:

ClinVar aggregate classification (germline): Uncertain significance (1 of 4 stars; one submission).

Submission:

Labcorp Genetics (formerly Invitae), Labcorp
Classification: Uncertain significance. Last evaluated: 2023-01-16. Review status: criteria provided, single submitter. Criteria: Invitae Variant Classification Sherloc (09022015). Collection method: clinical testing. Allele origin: germline.
Comment: This sequence change creates a premature translational stop signal (p.Ser323Valfs*10) in the CARD8 gene. It is expected to result in an absent or disrupted protein product. However, the current clinical and genetic evidence is not sufficient to establish whether loss-of-function variants in CARD8 cause disease. This variant is not present in population databases (gnomAD no frequency). This variant has not been reported in the literature in individuals affected with CARD8-related conditions. In summary, the available evidence is currently insufficient to determine the role of this variant in disease. Therefore, it has been classified as a Variant of Uncertain Significance.

NM_001184900.3(CARD8):c.1116del (p.Ser373fs)

Gene: CARD8 (caspase recruitment domain family member 8; minus strand). Cytogenetic location: 19q13.33.
Variant type: Deletion.
Coding change: c.1116del on transcript NM_001184900.3 (MANE Select); coding-DNA position 1116, one base deleted (C; older notation c.1116delC).
Protein change: p.Ser373fs; shifts the reading frame from serine 373.
Molecular consequence: frameshift variant. On other transcripts: non-coding transcript variant (3).
Genome position (GRCh38, 1-based): chr19:48,221,775, G deleted on the plus strand (C on the coding strand, the reverse complement: CARD8 is on the minus strand); the first of 2 consecutive G bases (chr19:48,221,775-48,221,776); deleting either gives the same sequence. VCF-style (leftmost placement, unchanged base first): chr19-48221774-TG-T. GRCh37 (hg19) VCF-style: chr19-48725031-TG-T.
Other names: c.966del, p.Ser323fs (NM_001184901.1, NM_001351783.2, NM_001351788.2 and 2 more transcripts); c.1116del, p.Ser373fs (NM_001184902.2, NM_001184903.1, NM_001351782.2); c.801del, p.Ser268fs (NM_001351784.2, NM_001351787.2, NM_001351791.2 and 1 more transcripts); c.780del, p.Ser261fs (NM_001351786.2); c.873del, p.Ser292fs (NM_001351790.2); c.798del, p.Ser267fs (NM_001365950.1); c.290delC, p.Ser98Valfs (NM_001426741.1); short protein forms S268fs, S373fs, S292fs, S261fs, S267fs, S323fs.
Identifiers: ClinVar variation 2829165 (VCV002829165.3), dbSNP rs2514275599, ClinGen allele CA2586164837.
Genomic context (GRCh38, chr19:48,221,774, plus strand): 5'-TTTGAATTCTACTAACCTTGGGCATTACTTTCAGGTTAGCAGAATTAGACACAATATAAC[TG>T]GAACCAAAGTTCAGGGGTTCCATTGGGGGCGAAGTCTGCAGGCGCACACCATGGAAGCGA-3'